The following is an entry in ClinVar:

ClinVar aggregate classification (germline): Likely pathogenic (0 of 4 stars; one submission).

Conditions:
Finnish congenital nephrotic syndrome (NPHS1). Also called: NEPHROTIC SYNDROME, TYPE 1. Identifiers: Orphanet 839, MedGen C0403399, MONDO:0009732, OMIM 256300.

Submission:

Juha Muilu Group; Institute for Molecular Medicine Finland (FIMM)
Classification: Likely pathogenic for Finnish congenital nephrotic syndrome. Review status: no assertion criteria provided. Collection method: not provided. Allele origin: unknown.
Comment: FinDis database variant: This variant was not found or characterized by our laboratory, data were collected from public sources: see reference
ClinVar note: Converted during submission from probable-pathogenic to Likely pathogenic.

NM_004646.4(NPHS1):c.2770_2776del (p.Asn924fs)

Gene: NPHS1 (NPHS1 adhesion molecule, nephrin; minus strand). Cytogenetic location: 19q13.12.
Variant type: Deletion.
Coding change: c.2770_2776del on transcript NM_004646.4 (MANE Select); coding-DNA positions 2770 to 2776, 7 bases deleted (AACGCCC; older notation c.2770_2776delAACGCCC).
Protein change: p.Asn924fs; shifts the reading frame from asparagine 924.
Molecular consequence: frameshift variant.
Genome position (GRCh38, 1-based): chr19:35,841,754-35,841,760, GGGCGTT deleted on the plus strand (AACGCCC on the coding strand, the reverse complement: NPHS1 is on the minus strand); deleting any 7 consecutive bases within chr19:35,841,754-35,841,762 gives the same sequence; the c. name uses the placement nearest the transcript's 3' end. VCF-style (leftmost placement, unchanged base first): chr19-35841753-AGGGCGTT-A. GRCh37 (hg19) VCF-style: chr19-36332655-AGGGCGTT-A.
Other names: c.2769_2775delCAACGCC (NM_004646.3); short protein forms N924fs.
Identifiers: ClinVar variation 56486 (VCV000056486.2), dbSNP rs386833925, ClinGen allele CA250208.